The following is an entry in ClinVar:

NM_001368397.1(FRMPD4):c.1906C>G (p.Pro636Ala)

Gene: FRMPD4 (FERM and PDZ domain containing 4; plus strand). Cytogenetic location: Xp22.2.
Variant type: single nucleotide variant.
Coding change: c.1906C>G on transcript NM_001368397.1 (MANE Select); coding-DNA position 1906, C replaced by G.
Protein change: p.Pro636Ala; replaces proline 636 with alanine.
Molecular consequence: missense variant.
Genome position (GRCh38, 1-based): chrX:12,716,365, C>G. VCF-style: chrX-12716365-C-G. GRCh37 (hg19) VCF-style: chrX-12734484-C-G.
Other names: c.2017C>G, p.Pro673Ala (NM_001368395.3, NM_001368398.3); c.1912C>G, p.Pro638Ala (NM_001368396.3); c.1897C>G, p.Pro633Ala (NM_001368399.3); c.1786C>G, p.Pro596Ala (NM_001368400.3); c.1882C>G, p.Pro628Ala (NM_001368401.1, NM_001368402.3); c.1906C>G, p.Pro636Ala (NM_014728.3); short protein forms P596A, P628A, P633A, P636A, P638A, P673A.
Identifiers: ClinVar variation 3376433 (VCV003376433.2).

ClinVar aggregate classification (germline): Uncertain significance. Review status: criteria provided, multiple submitters, no conflicts (2 of 4 stars). 2 submissions from 2 submitters: Uncertain significance (2). Last evaluated 2025-06-18.

Conditions:
Inborn genetic diseases. Identifiers: MedGen C0950123, MeSH D030342.
Intellectual developmental disorder, X-linked 104. Also called: Intellectual disability, X-linked 104. Identifiers: MedGen C4310817, MONDO:0010509, OMIM 300983.

gnomAD v4.1: 15 of 1,209,809 alleles (0.0012%); highest among the groups gnomAD compares: African/African-American, 0.023%; no homozygotes.

Submissions (2):

Ambry Genetics
Classification: Uncertain significance for Inborn genetic diseases. Last evaluated: 2025-06-18. Review status: criteria provided, single submitter. Criteria: Ambry Variant Classification Scheme 2023. Collection method: clinical testing. Allele origin: germline.

Pittsburgh Clinical Genomics Laboratory, University of Pittsburgh Medical Center
Classification: Uncertain significance for Intellectual developmental disorder, X-linked 104. Last evaluated: 2024-06-13. Review status: criteria provided, single submitter. Criteria: ACMG Guidelines, 2015. Collection method: clinical testing. Allele origin: germline. Inheritance: X-linked inheritance. Affected: yes.
Comment: This sequence variant is a single nucleotide substitution (C>G) at position 1906 of the coding sequence of the FRMPD4 gene that results in a proline to alanine amino acid change at residue 636 of the FERM and PDZ domain containing 4 protein. To our knowledge this variant is absent from ClinVar and the published literature. This variant is present in 8 of 295232 alleles (0.0027%) in the gnomAD population dataset. Multiple bioinformatic tools predict that this amino acid change would be neutral, and the Pro636 residue at this position is moderately conserved across the vertebrate species examined. Studies examining the functional consequence of this variant have not been published, to our knowledge. At this time, there is insufficient evidence to determine if this variant is pathogenic or benign. Therefore, we consider this a variant of uncertain significance. ACMG Criteria: BP4, PM2